The following is an entry in ClinVar:

ClinVar aggregate classification (germline): Uncertain significance (1 of 4 stars; one submission).

Conditions:
LAMP2-related disorder. Also called: LAMP2-related condition.

Submission:

PreventionGenetics, part of Exact Sciences
Classification: Uncertain significance for LAMP2-related condition. Last evaluated: 2026-04-14. Review status: criteria provided, single submitter. Criteria: ACMG Guidelines, 2015. Collection method: clinical testing. Allele origin: germline.
Comment: The LAMP2 c.754A>G variant is predicted to result in the amino acid substitution p.Ile252Val. To our knowledge, this variant has not been reported in the literature or in a large population database (gnomAD), indicating this variant is rare. At this time, the clinical significance of this variant is uncertain due to the absence of conclusive functional and genetic evidence.

NM_002294.3(LAMP2):c.754A>G (p.Ile252Val)

Gene: LAMP2 (lysosome associated membrane protein 2; minus strand). Cytogenetic location: Xq24.
Variant type: single nucleotide variant.
Coding change: c.754A>G on transcript NM_002294.3 (MANE Select); coding-DNA position 754, A replaced by G.
Protein change: p.Ile252Val; replaces isoleucine 252 with valine.
Molecular consequence: missense variant.
Genome position (GRCh38, 1-based): chrX:120,446,415, T>C on the plus strand (A>G on the coding strand, the complement: LAMP2 is on the minus strand). VCF-style: chrX-120446415-T-C. GRCh37 (hg19) VCF-style: chrX-119580270-T-C.
Other names: c.754A>G, p.Ile252Val (NM_001122606.1, NM_013995.2); short protein forms I252V.
Identifiers: ClinVar variation 4987173 (VCV004987173.1).